The following is an entry in ClinVar:

NM_000540.3(RYR1):c.6700C>T (p.Arg2234Cys)

Gene: RYR1 (ryanodine receptor 1; plus strand). Cytogenetic location: 19q13.2.
Variant type: single nucleotide variant.
Coding change: c.6700C>T on transcript NM_000540.3 (MANE Select); coding-DNA position 6700, C replaced by T.
Protein change: p.Arg2234Cys; replaces arginine 2234 with cysteine.
Molecular consequence: missense variant.
Genome position (GRCh38, 1-based): chr19:38,496,445, C>T. VCF-style: chr19-38496445-C-T. GRCh37 (hg19) VCF-style: chr19-38987085-C-T.
Other names: c.6700C>T, p.Arg2234Cys (NM_001042723.2); short protein forms R2234C.
Identifiers: ClinVar variation 224389 (VCV000224389.16), dbSNP rs201465595, ClinGen allele CA068577.

ClinVar aggregate classification (germline): Conflicting classifications of pathogenicity. Review status: criteria provided, conflicting classifications (1 of 4 stars). 7 submissions from 6 submitters: Pathogenic (1); Uncertain significance (5). 1 of the submissions does not count toward it. Last evaluated 2025-02-25.

Conditions:
RYR1-related disorder. Also called: RYR1-related disorders; RYR1-related condition. Identifiers: MedGen CN239331.
Malignant hyperthermia, susceptibility to, 1 (MHS1). Also called: Malignant hyperthermia suceptibility 1; RYR1-Related Malignant Hyperthermia Susceptibility; Anesthesia related hyperthermia; Malignant hyperpyrexia; Fulminating hyperpyrexia; Pharmacogenic myopathy. Identifiers: Orphanet 423, MedGen C2930980, MONDO:0007783, OMIM 145600.
Congenital multicore myopathy with external ophthalmoplegia (CMYO1B). Also called: MULTICORE MYOPATHY; Congenital myopathy 1B, autosomal recessive; Minicore myopathy; MULTIMINICORE DISEASE WITH EXTERNAL OPHTHALMOPLEGIA; Minicore myopathy with external ophthalmoplegia. Identifiers: Orphanet 598, Orphanet 98905, MedGen C1850674, MONDO:0009712, OMIM 255320, HP:0003789.

Allele frequency attached by ClinVar (database versions not stated): gnomAD 0.00001 and 0.00002; gnomAD exomes 0.00001 and 0.00002; ExAC 0.00004; TOPMed 0.00004.
gnomAD v4.1: 24 of 1,613,710 alleles (0.0015%); highest among the groups gnomAD compares: Middle Eastern, 0.016%; no homozygotes.

Submissions (7):

Labcorp Genetics (formerly Invitae), Labcorp
Classification: Pathogenic for RYR1-related disorder. Last evaluated: 2025-02-25. Review status: criteria provided, single submitter. Criteria: Invitae Variant Classification Sherloc (09022015). Collection method: clinical testing. Allele origin: germline.
Comment: This sequence change replaces arginine, which is basic and polar, with cysteine, which is neutral and slightly polar, at codon 2234 of the RYR1 protein (p.Arg2234Cys). This variant is present in population databases (rs201465595, gnomAD 0.009%). This missense change has been observed in individual(s) with autosomal dominant RYR1-related conditions as well as individuals without clinical features of disease (PMID: 24195946; internal data). In at least one individual the variant was observed to be de novo. ClinVar contains an entry for this variant (Variation ID: 224389). Invitae Evidence Modeling of protein sequence and biophysical properties (such as structural, functional, and spatial information, amino acid conservation, physicochemical variation, residue mobility, and thermodynamic stability) indicates that this missense variant is expected to disrupt RYR1 protein function with a positive predictive value of 80%. For these reasons, this variant has been classified as Pathogenic.

All of Us Research Program, National Institutes of Health
Classification: Uncertain significance for Malignant hyperthermia, susceptibility to, 1. Last evaluated: 2024-07-10. Review status: criteria provided, single submitter. Criteria: ACMG Guidelines, 2015. Collection method: clinical testing. Allele origin: germline. Inheritance: Autosomal dominant inheritance. Observed: 7 variant alleles, 7 heterozygotes.
Comment: This missense variant replaces arginine with cysteine at codon 2234 of the RYR1 protein. Computational prediction suggests that this variant may have deleterious impact on protein structure and function (internally defined REVEL score threshold >= 0.7, PMID: 27666373). To our knowledge, functional studies have not been reported for this variant. This variant has not been reported in individuals affected with malignant hyperthermia susceptibility in the literature. This variant has been identified in 5/251106 chromosomes in the general population by the Genome Aggregation Database (gnomAD). The available evidence is insufficient to determine the role of this variant in disease conclusively. Therefore, this variant is classified as a Variant of Uncertain Significance.

This study involves interpretation of variants in research participants for the purpose of population health screening. Participant phenotype was not available at the time of variant classification. Additional details can be found in publication PMID: 35346344, PMCID: PMC8962531

Color Diagnostics, LLC DBA Color Health
Classification: Uncertain significance for Malignant hyperthermia, susceptibility to, 1. Last evaluated: 2024-04-25. Review status: criteria provided, single submitter. Criteria: ACMG Guidelines, 2015. Collection method: clinical testing. Allele origin: germline.
Comment: This missense variant replaces arginine with cysteine at codon 2234 of the RYR1 protein. Computational prediction suggests that this variant may have deleterious impact on protein structure and function. To our knowledge, functional studies have not been reported for this variant. This variant has not been reported in individuals affected with malignant hyperthermia susceptibility in the literature. This variant has been identified in 5/251106 chromosomes in the general population by the Genome Aggregation Database (gnomAD). The available evidence is insufficient to determine the role of this variant in disease conclusively. Therefore, this variant is classified as a Variant of Uncertain Significance.

Illumina Laboratory Services, Illumina
Classification: Uncertain significance for Malignant hyperthermia, susceptibility to, 1. Last evaluated: 2018-01-12. Review status: criteria provided, single submitter. Criteria: ICSL Variant Classification Criteria 13 December 2019. Collection method: clinical testing. Allele origin: germline.

Illumina Laboratory Services, Illumina
Classification: Uncertain significance for Congenital multicore myopathy with external ophthalmoplegia. Last evaluated: 2018-01-12. Review status: criteria provided, single submitter. Criteria: ICSL Variant Classification Criteria 13 December 2019. Collection method: clinical testing. Allele origin: germline.

Biesecker Lab/Clinical Genomics Section, National Institutes of Health
Classification: Uncertain significance for Malignant hyperthermia, susceptibility to, 1. Last evaluated: 2013-07-01. Review status: criteria provided, single submitter. Criteria: Gonsalves et al. 2013. Collection method: research. Allele origin: unknown. Observed: 1 variant allele. Study: ClinSeq.
Comment: The study set was not selected for affection status in relation to any myopathy. Pathogenicity categories were based on literature curation. See Pubmed ID: 24195946 for details.

PreventionGenetics, part of Exact Sciences
Classification: Uncertain significance for RYR1-related condition. Last evaluated: 2024-01-07. Review status: no assertion criteria provided. Collection method: clinical testing. Allele origin: germline. Not counted in ClinVar's aggregate classification.
Comment: The RYR1 c.6700C>T variant is predicted to result in the amino acid substitution p.Arg2234Cys. This variant was reported in a large exome sequencing cohort of individuals not ascertained for malignant hyperthermia susceptibility (supplemental digital content 3, Gonsalves et al. 2013. PubMed ID: 24195946). This variant is reported in 0.0087% of alleles in individuals of Latino descent in gnomAD. At this time, the clinical significance of this variant is uncertain due to the absence of conclusive functional and genetic evidence.

Literature cited by the submitters: PubMed 24195946 (cited by Labcorp Genetics (formerly Invitae), Labcorp).